The following is an entry in ClinVar:

NM_183357.3(ADCY5):c.29C>T (p.Pro10Leu)

Gene: ADCY5 (adenylate cyclase 5; minus strand). Cytogenetic location: 3q21.1.
Variant type: single nucleotide variant.
Coding change: c.29C>T on transcript NM_183357.3 (MANE Select); coding-DNA position 29, C replaced by T.
Protein change: p.Pro10Leu; replaces proline 10 with leucine.
Molecular consequence: missense variant.
Genome position (GRCh38, 1-based): chr3:123,448,517, G>A on the plus strand (C>T on the coding strand, the complement: ADCY5 is on the minus strand). VCF-style: chr3-123448517-G-A. GRCh37 (hg19) VCF-style: chr3-123167364-G-A.
Other names: c.29C>T, p.Pro10Leu (NM_001378259.1); short protein forms P10L.
Identifiers: ClinVar variation 1170029 (VCV001170029.17), dbSNP rs143905423, ClinGen allele CA2577748.

ClinVar aggregate classification (germline): Benign/Likely benign. Review status: criteria provided, multiple submitters, no conflicts (2 of 4 stars). 7 submissions from 5 submitters: Benign (4); Likely benign (3). Last evaluated 2026-01-25.

Conditions:
Dyskinesia with orofacial involvement, autosomal recessive. Identifiers: MedGen C5562036, MONDO:0030625, OMIM 619647.
Neurodevelopmental disorder with hyperkinetic movements and dyskinesia. Identifiers: MedGen C5562038, MONDO:0859211, OMIM 619651.
Dyskinesia with orofacial involvement, autosomal dominant (DSKOD). Also called: Dyskinesia, familial, with facial myokymia; Familial Dyskinesia with Facial Myokymia (FDFM); Familial dyskinesia and facial myokymia. Identifiers: Orphanet 324588, MedGen C1847627, MONDO:0800028, OMIM 606703.

Allele frequency attached by ClinVar (database versions not stated): ESP Exome Variant Server 0.00037; gnomAD exomes 0.00117; 1000 Genomes Project 0.00260; 1000 Genomes Project 30x 0.00281; ExAC 0.02941.
gnomAD v4.1: 1,014 of 1,264,858 alleles (0.08%); highest among the groups gnomAD compares: African/African-American, 1.4%; 8 homozygotes.

Submissions (7):

Labcorp Genetics (formerly Invitae), Labcorp
Classification: Benign. Last evaluated: 2026-01-25. Review status: criteria provided, single submitter. Criteria: Invitae Variant Classification Sherloc (09022015). Collection method: clinical testing. Allele origin: germline.

CeGaT Center for Human Genetics Tuebingen
Classification: Likely benign. Last evaluated: 2026-01-01. Review status: criteria provided, single submitter. Criteria: CeGaT Center For Human Genetics Tuebingen Variant Classification Criteria Version 2. Collection method: clinical testing. Allele origin: germline. Affected: yes. Observed: 1 variant allele.
Comment: ADCY5: BS1

Blueprint Genetics
Classification: Likely benign. Last evaluated: 2024-11-01. Review status: criteria provided, single submitter. Criteria: ACMG Guidelines, 2015. Collection method: clinical testing. Allele origin: germline.

Genome-Nilou Lab
Classification: Benign for Dyskinesia with orofacial involvement, autosomal dominant. Last evaluated: 2021-12-05. Review status: criteria provided, single submitter. Criteria: ACMG Guidelines, 2015. Collection method: clinical testing. Allele origin: germline. Affected: no.

Genome-Nilou Lab
Classification: Benign for Dyskinesia with orofacial involvement, autosomal recessive. Last evaluated: 2021-12-05. Review status: criteria provided, single submitter. Criteria: ACMG Guidelines, 2015. Collection method: clinical testing. Allele origin: germline. Affected: no.

Genome-Nilou Lab
Classification: Benign for Neurodevelopmental disorder with hyperkinetic movements and dyskinesia. Last evaluated: 2021-12-05. Review status: criteria provided, single submitter. Criteria: ACMG Guidelines, 2015. Collection method: clinical testing. Allele origin: germline. Affected: no.

GeneDx
Classification: Likely benign. Last evaluated: 2020-12-08. Review status: criteria provided, single submitter. Criteria: GeneDx Variant Classification Process June 2021. Collection method: clinical testing. Allele origin: germline. Affected: yes.